The following is an entry in ClinVar:

ClinVar aggregate classification (germline): Uncertain significance. Review status: criteria provided, multiple submitters, no conflicts (2 of 4 stars). 4 submissions from 4 submitters: Uncertain significance (4). Last evaluated 2025-11-25.

Conditions:
Idiopathic Pulmonary Fibrosis. Also called: Idiopathic fibrosing alveolitis, chronic form; idiopathic fibrosing alveolitis. Identifiers: Orphanet 2032, MedGen C1800706, MeSH D054990, MONDO:0800504.
Dyskeratosis congenita, autosomal dominant 2. Identifiers: MedGen C3151443, MONDO:0013521, OMIM 613989.
Dyskeratosis congenita. Identifiers: Orphanet 1775, MedGen C0265965, MONDO:0015780.

Allele frequency attached by ClinVar (database versions not stated): ExAC 0.00002.
gnomAD v4.1: 3 of 1,612,952 alleles (0.00019%); highest among the groups gnomAD compares: South Asian, 0.0022%; no homozygotes.

Submissions (4):

Ambry Genetics
Classification: Uncertain significance for Dyskeratosis congenita. Last evaluated: 2025-11-25. Review status: criteria provided, single submitter. Criteria: Ambry Variant Classification Scheme 2023. Collection method: clinical testing. Allele origin: germline.
Comment: The p.R819S variant (also known as c.2455C>A), located in coding exon 8 of the TERT gene, results from a C to A substitution at nucleotide position 2455. The arginine at codon 819 is replaced by serine, an amino acid with dissimilar properties. This amino acid position is not well conserved in available vertebrate species. In addition, the in silico prediction for this alteration is inconclusive. Based on the available evidence, the clinical significance of this variant remains unclear.

Labcorp Genetics (formerly Invitae), Labcorp
Classification: Uncertain significance for Dyskeratosis congenita, autosomal dominant 2; Idiopathic Pulmonary Fibrosis. Last evaluated: 2025-06-16. Review status: criteria provided, single submitter. Criteria: Invitae Variant Classification Sherloc (09022015). Collection method: clinical testing. Allele origin: germline.
Comment: This sequence change replaces arginine, which is basic and polar, with serine, which is neutral and polar, at codon 819 of the TERT protein (p.Arg819Ser). This variant is present in population databases (rs746621306, gnomAD 0.007%). This variant has not been reported in the literature in individuals affected with TERT-related conditions. ClinVar contains an entry for this variant (Variation ID: 1413839). Invitae Evidence Modeling of protein sequence and biophysical properties (such as structural, functional, and spatial information, amino acid conservation, physicochemical variation, residue mobility, and thermodynamic stability) indicates that this missense variant is expected to disrupt TERT protein function with a positive predictive value of 95%. In summary, the available evidence is currently insufficient to determine the role of this variant in disease. Therefore, it has been classified as a Variant of Uncertain Significance.

Women's Health and Genetics/Laboratory Corporation of America, LabCorp
Classification: Uncertain significance. Last evaluated: 2024-05-02. Review status: criteria provided, single submitter. Criteria: LabCorp Variant Classification Summary - May 2015. Collection method: clinical testing. Allele origin: germline.
Comment: Variant summary: TERT c.2455C>A (p.Arg819Ser) results in a non-conservative amino acid change located in the Reverse transcriptase domain (IPR000477) of the encoded protein sequence. Four of five in-silico tools predict a damaging effect of the variant on protein function. The variant allele was found at a frequency of 1.2e-05 in 248072 control chromosomes (gnomAD). The available data on variant occurrences in the general population are insufficient to allow any conclusion about variant significance. To our knowledge, no occurrence of c.2455C>A in individuals affected with Dyskeratosis congenita and no experimental evidence demonstrating its impact on protein function have been reported. ClinVar contains an entry for this variant (Variation ID: 1413839). Based on the evidence outlined above, the variant was classified as uncertain significance.

Baylor Genetics
Classification: Uncertain significance for Dyskeratosis congenita, autosomal dominant 2. Last evaluated: 2023-09-05. Review status: criteria provided, single submitter. Criteria: ACMG Guidelines, 2015. Collection method: clinical testing. Allele origin: unknown.

NM_198253.3(TERT):c.2455C>A (p.Arg819Ser)

Gene: TERT (telomerase reverse transcriptase; minus strand). Cytogenetic location: 5p15.33.
Variant type: single nucleotide variant.
Coding change: c.2455C>A on transcript NM_198253.3 (MANE Select); coding-DNA position 2455, C replaced by A.
Protein change: p.Arg819Ser; replaces arginine 819 with serine.
Molecular consequence: missense variant.
Genome position (GRCh38, 1-based): chr5:1,271,132, G>T on the plus strand (C>A on the coding strand, the complement: TERT is on the minus strand). VCF-style: chr5-1271132-G-T. GRCh37 (hg19) VCF-style: chr5-1271247-G-T.
Other names: c.2455C>A, p.Arg819Ser (NM_001193376.3); c.2455C>A (NM_198253.2); short protein forms R819S.
Identifiers: ClinVar variation 1413839 (VCV001413839.11), dbSNP rs746621306, ClinGen allele CA3184514.